The following is an entry in ClinVar:

ClinVar aggregate classification (germline): Conflicting classifications of pathogenicity. Review status: criteria provided, conflicting classifications (1 of 4 stars). 5 submissions from 5 submitters: Uncertain significance (4); Likely benign (1). Last evaluated 2025-10-15.

Conditions:
Pyogenic arthritis-pyoderma gangrenosum-acne syndrome (PAPA). Also called: FAMILIAL RECURRENT ARTHRITIS; PAPA SYNDROME. Identifiers: Orphanet 69126, MedGen C1858361, MONDO:0011462, OMIM 604416.
Inborn genetic diseases. Identifiers: MedGen C0950123, MeSH D030342.

Allele frequency attached by ClinVar (database versions not stated): gnomAD 0.00003; TOPMed 0.00006.
gnomAD v4.1: 60 of 1,555,040 alleles (0.0039%); highest among the groups gnomAD compares: Non-Finnish European, 0.0052%; no homozygotes.

Submissions (5):

Ambry Genetics
Classification: Uncertain significance for Inborn genetic diseases. Last evaluated: 2025-10-15. Review status: criteria provided, single submitter. Criteria: Ambry Variant Classification Scheme 2023. Collection method: clinical testing. Allele origin: germline.

GeneDx
Classification: Uncertain significance. Last evaluated: 2025-07-30. Review status: criteria provided, single submitter. Criteria: GeneDx Variant Classification Process June 2021. Collection method: clinical testing. Allele origin: germline. Affected: yes.
Comment: Not observed at significant frequency in large population cohorts (gnomAD); In silico analysis supports that this missense variant has a deleterious effect on protein structure/function; Has not been previously published as pathogenic or benign to our knowledge

Women's Health and Genetics/Laboratory Corporation of America, LabCorp
Classification: Likely benign. Last evaluated: 2025-01-06. Review status: criteria provided, single submitter. Criteria: LabCorp Variant Classification Summary - May 2015. Collection method: clinical testing. Allele origin: germline.
Comment: Variant summary: PSTPIP1 c.296G>T (p.Arg99Leu) results in a non-conservative amino acid change located in the F-BAR domain (IPR031160) of the encoded protein sequence. Three of five in-silico tools predict a damaging effect of the variant on protein function. The variant allele was found at a frequency of 3.9e-05 in 1548136 control chromosomes, predominantly at a frequency of 5.2e-05 within the Non-Finnish European subpopulation in the gnomAD database (v4.1 dataset). The observed variant frequency within Non-Finnish European control individuals in the gnomAD database is approximately 50-fold of the estimated maximal expected allele frequency for a pathogenic variant in PSTPIP1 causing Pyogenic arthritis-pyoderma gangrenosum-acne syndrome phenotype (1e-06). To our knowledge, no occurrence of c.296G>T in individuals affected with Pyogenic arthritis-pyoderma gangrenosum-acne syndrome and no experimental evidence demonstrating its impact on protein function have been reported. ClinVar contains an entry for this variant (Variation ID: 568725). Based on the evidence outlined above, the variant was classified as likely benign.

Blueprint Genetics
Classification: Uncertain significance. Last evaluated: 2024-06-14. Review status: criteria provided, single submitter. Criteria: ACMG Guidelines, 2015. Collection method: clinical testing. Allele origin: germline.

Labcorp Genetics (formerly Invitae), Labcorp
Classification: Uncertain significance for Pyogenic arthritis-pyoderma gangrenosum-acne syndrome. Last evaluated: 2024-05-09. Review status: criteria provided, single submitter. Criteria: Invitae Variant Classification Sherloc (09022015). Collection method: clinical testing. Allele origin: germline.
Comment: This sequence change replaces arginine, which is basic and polar, with leucine, which is neutral and non-polar, at codon 99 of the PSTPIP1 protein (p.Arg99Leu). This variant is present in population databases (rs371065077, gnomAD 0.001%). This variant has not been reported in the literature in individuals affected with PSTPIP1-related conditions. ClinVar contains an entry for this variant (Variation ID: 568725). Advanced modeling of protein sequence and biophysical properties (such as structural, functional, and spatial information, amino acid conservation, physicochemical variation, residue mobility, and thermodynamic stability) performed at Invitae indicates that this missense variant is not expected to disrupt PSTPIP1 protein function with a negative predictive value of 80%. In summary, the available evidence is currently insufficient to determine the role of this variant in disease. Therefore, it has been classified as a Variant of Uncertain Significance.

NM_003978.5(PSTPIP1):c.296G>T (p.Arg99Leu)

Gene: PSTPIP1 (proline-serine-threonine phosphatase interacting protein 1; plus strand). Cytogenetic location: 15q24.3.
Variant type: single nucleotide variant.
Coding change: c.296G>T on transcript NM_003978.5 (MANE Select); coding-DNA position 296, G replaced by T.
Protein change: p.Arg99Leu; replaces arginine 99 with leucine.
Molecular consequence: missense variant. On other transcripts: non-coding transcript variant (1).
Genome position (GRCh38, 1-based): chr15:77,025,546, G>T. VCF-style: chr15-77025546-G-T. GRCh37 (hg19) VCF-style: chr15-77317887-G-T.
Other names: c.296G>T, p.Arg99Leu (NM_001321135.2); c.269G>T, p.Arg90Leu (NM_001321136.2); c.491G>T, p.Arg164Leu (NM_001321137.1); short protein forms R99L, R164L, R90L.
Identifiers: ClinVar variation 568725 (VCV000568725.15), dbSNP rs371065077, ClinGen allele CA7675772.